The following is an entry in ClinVar:

ClinVar aggregate classification (germline): Uncertain significance (1 of 4 stars; one submission).

Submission:

Ambry Genetics
Classification: Uncertain significance. Last evaluated: 2022-01-26. Review status: criteria provided, single submitter. Criteria: Ambry Variant Classification Scheme 2023. Collection method: clinical testing. Allele origin: germline.
Comment: The p.F632L variant (also known as c.1894T>C), located in coding exon 17 of the RAD54L gene, results from a T to C substitution at nucleotide position 1894. The phenylalanine at codon 632 is replaced by leucine, an amino acid with highly similar properties. This amino acid position is conserved. In addition, this alteration is predicted to be tolerated by in silico analysis. Since supporting evidence is limited at this time, the clinical significance of this alteration remains unclear.

NM_003579.4(RAD54L):c.1894T>C (p.Phe632Leu)

Genes: LRRC41 (leucine rich repeat containing 41; minus strand), RAD54L (RAD54 like; plus strand). Cytogenetic location: 1p34.1.
Variant type: single nucleotide variant.
Coding change: c.1894T>C on transcript NM_003579.4 (MANE Select); coding-DNA position 1894, T replaced by C.
Protein change: p.Phe632Leu; replaces phenylalanine 632 with leucine.
Molecular consequence: missense variant. On other transcripts: 3 prime UTR variant (1).
Genome position (GRCh38, 1-based): chr1:46,277,841, T>C. VCF-style: chr1-46277841-T-C. GRCh37 (hg19) VCF-style: chr1-46743513-T-C.
Other names: c.*1024A>G (NM_006369.5); c.1894T>C, p.Phe632Leu (NM_001142548.2); c.1354T>C, p.Phe452Leu (NM_001370766.1); short protein forms F452L, F632L.
Identifiers: ClinVar variation 1782128 (VCV001782128.2), dbSNP rs908169670, ClinGen allele CA21899911.
Genomic context (GRCh38, chr1:46,277,841, plus strand): 5'-TGTATCTTTTGACATTCCCCACCTCCTCTTCCCCAGGCAGGGACCATTGAGGAGAAGATC[T>C]TCCAGCGTCAGAGCCACAAGAAGGCACTGAGCAGCTGTGTGGTGGATGAGGAGCAGGATG-3'
Protein context (NP_003570.2, residues 622-642): LSAGTIEEKI[Phe632Leu]QRQSHKKALS